The following is an entry in ClinVar:

NM_001174089.2(SLC4A11):c.121G>T (p.Glu41Ter)

Gene: SLC4A11 (solute carrier family 4 member 11; minus strand). Cytogenetic location: 20p13.
Variant type: single nucleotide variant.
Coding change: c.121G>T on transcript NM_001174089.2 (MANE Select); coding-DNA position 121, G replaced by T.
Protein change: p.Glu41Ter; replaces glutamic acid 41 with a stop codon.
Molecular consequence: nonsense. On other transcripts: non-coding transcript variant (3).
Genome position (GRCh38, 1-based): chr20:3,234,862, C>A on the plus strand (G>T on the coding strand, the complement: SLC4A11 is on the minus strand). VCF-style: chr20-3234862-C-A. GRCh37 (hg19) VCF-style: chr20-3215508-C-A.
Other names: c.250G>T, p.Glu84Ter (NM_001174090.2, NM_001400280.1); c.121G>T, p.Glu41Ter (NM_001363745.2); c.64G>T, p.Glu22Ter (NM_001400277.1, NM_001400278.1, NM_001400279.1); c.169G>T, p.Glu57Ter (NM_032034.4); short protein forms E22*, E41*, E57*, E84*.
Identifiers: ClinVar variation 4816300 (VCV004816300.1).

ClinVar aggregate classification (germline): Likely pathogenic (1 of 4 stars; one submission).

Conditions:
Corneal dystrophy-perceptive deafness syndrome (CDPD). Also called: CORNEAL DYSTROPHY AND SENSORINEURAL DEAFNESS; HARBOYAN SYNDROME. Identifiers: Orphanet 1490, MedGen C1857572, MONDO:0009015, OMIM 217400.

Submission:

Natera, Inc.
Classification: Likely pathogenic for Corneal dystrophy-perceptive deafness syndrome. Last evaluated: 2025-09-14. Review status: criteria provided, single submitter. Criteria: Natera Variant Classification Schema (03/2026). Collection method: clinical testing. Allele origin: germline.
Comment: The c.169G>T variant in SLC4A11 is a nonsense variant predicted to introduce a stop codon at amino acid 57. This variant is expected to result in nonsense mediated decay, truncation, or a dysfunctional protein product. This variant is rare in the general population with a frequency below the threshold expected for the associated phenotype(s). Given the available evidence, this variant is classified as Likely Pathogenic.